The following is an entry in ClinVar:

ClinVar aggregate classification (germline): Uncertain significance (1 of 4 stars; one submission).

Conditions:
TP63-Related Spectrum Disorders.

Submission:

Labcorp Genetics (formerly Invitae), Labcorp
Classification: Uncertain significance. Last evaluated: 2023-01-26. Review status: criteria provided, single submitter. Criteria: Invitae Variant Classification Sherloc (09022015). Collection method: clinical testing. Allele origin: germline.
Comment: In summary, the available evidence is currently insufficient to determine the role of this variant in disease. Therefore, it has been classified as a Variant of Uncertain Significance. Algorithms developed to predict the effect of missense changes on protein structure and function (SIFT, PolyPhen-2, Align-GVGD) all suggest that this variant is likely to be tolerated. This variant has not been reported in the literature in individuals affected with TP63-related conditions. This variant is not present in population databases (gnomAD no frequency). This sequence change replaces glycine, which is neutral and non-polar, with alanine, which is neutral and non-polar, at codon 629 of the TP63 protein (p.Gly629Ala).

NM_003722.5(TP63):c.1886G>C (p.Gly629Ala)

Gene: TP63 (tumor protein p63; plus strand). Cytogenetic location: 3q28.
Variant type: single nucleotide variant.
Coding change: c.1886G>C on transcript NM_003722.5 (MANE Select); coding-DNA position 1886, G replaced by C.
Protein change: p.Gly629Ala; replaces glycine 629 with alanine.
Molecular consequence: missense variant. On other transcripts: 3 prime UTR variant (6).
Genome position (GRCh38, 1-based): chr3:189,894,345, G>C. VCF-style: chr3-189894345-G-C. GRCh37 (hg19) VCF-style: chr3-189612134-G-C.
Other names: c.*124G>C (NM_001114978.2, NM_001114981.2); c.1604G>C, p.Gly535Ala (NM_001114980.2); c.*114G>C (NM_001329144.2, NM_001329145.2, NM_001329149.2 and 1 more transcripts); c.1349G>C, p.Gly450Ala (NM_001329146.2); c.1874G>C, p.Gly625Ala (NM_001329148.2); c.1880G>C, p.Gly627Ala (NM_001329964.2); short protein forms G450A, G627A, G535A, G625A, G629A.
Identifiers: ClinVar variation 2832144 (VCV002832144.2), dbSNP rs1721309458, ClinGen allele CA355751407.